The following is an entry in ClinVar:

NM_001206927.2(DNAH8):c.10418C>G (p.Thr3473Ser)

Genes: DNAH8-AS1 (DNAH8 antisense RNA 1; minus strand), DNAH8 (dynein axonemal heavy chain 8; plus strand). Cytogenetic location: 6p21.2.
Variant type: single nucleotide variant.
Coding change: c.10418C>G on transcript NM_001206927.2 (MANE Select); coding-DNA position 10418, C replaced by G.
Protein change: p.Thr3473Ser; replaces threonine 3473 with serine.
Molecular consequence: missense variant.
Genome position (GRCh38, 1-based): chr6:38,918,034, C>G. VCF-style: chr6-38918034-C-G. GRCh37 (hg19) VCF-style: chr6-38885810-C-G.
Other names: c.9767C>G, p.Thr3256Ser (NM_001371.4); short protein forms T3256S, T3473S.
Identifiers: ClinVar variation 851895 (VCV000851895.7), dbSNP rs182442615, ClinGen allele CA3790717.

ClinVar aggregate classification (germline): Uncertain significance (1 of 4 stars; one submission).

Conditions:
Primary ciliary dyskinesia. Also called: Ciliary dyskinesia. Identifiers: Orphanet 244, MedGen C0008780, MONDO:0016575, HP:0012265.

Allele frequency attached by ClinVar (database versions not stated): gnomAD 0.00006 and 0.00010; TOPMed 0.00012; ExAC 0.00015; 1000 Genomes Project 30x 0.00047; 1000 Genomes Project 0.00060.
gnomAD v4.1: 121 of 1,613,838 alleles (0.0075%); highest among the groups gnomAD compares: East Asian, 0.22%; 2 homozygotes.

Submission:

Labcorp Genetics (formerly Invitae), Labcorp
Classification: Uncertain significance for Primary ciliary dyskinesia. Last evaluated: 2021-08-31. Review status: criteria provided, single submitter. Criteria: Invitae Variant Classification Sherloc (09022015). Collection method: clinical testing. Allele origin: germline.
Comment: This sequence change replaces threonine with serine at codon 3473 of the DNAH8 protein (p.Thr3473Ser). The threonine residue is highly conserved and there is a small physicochemical difference between threonine and serine. This variant is present in population databases (rs182442615, ExAC 0.2%). This variant has not been reported in the literature in individuals affected with DNAH8-related conditions. Algorithms developed to predict the effect of missense changes on protein structure and function output the following: SIFT: "Tolerated"; PolyPhen-2: "Not Available"; Align-GVGD: "Class C0". The serine amino acid residue is found in multiple mammalian species, which suggests that this missense change does not adversely affect protein function. Algorithms developed to predict the effect of sequence changes on RNA splicing suggest that this variant may create or strengthen a splice site. In summary, the available evidence is currently insufficient to determine the role of this variant in disease. Therefore, it has been classified as a Variant of Uncertain Significance.